The following is an entry in ClinVar:

NM_001184.4(ATR):c.3565C>T (p.Pro1189Ser)

Gene: ATR (ATR checkpoint kinase; minus strand). Cytogenetic location: 3q23.
Variant type: single nucleotide variant.
Coding change: c.3565C>T on transcript NM_001184.4 (MANE Select); coding-DNA position 3565, C replaced by T.
Protein change: p.Pro1189Ser; replaces proline 1189 with serine.
Molecular consequence: missense variant.
Genome position (GRCh38, 1-based): chr3:142,540,920, G>A on the plus strand (C>T on the coding strand, the complement: ATR is on the minus strand). VCF-style: chr3-142540920-G-A. GRCh37 (hg19) VCF-style: chr3-142259762-G-A.
Other names: c.3565C>T (NM_001184.3); c.3373C>T, p.Pro1125Ser (NM_001354579.2); short protein forms P1125S, P1189S.
Identifiers: ClinVar variation 2968505 (VCV002968505.3), dbSNP rs750147479, ClinGen allele CA2650077.

ClinVar aggregate classification (germline): Uncertain significance. Review status: criteria provided, multiple submitters, no conflicts (2 of 4 stars). 2 submissions from 2 submitters: Uncertain significance (2). Last evaluated 2025-12-02.

Conditions:
Inborn genetic diseases. Identifiers: MedGen C0950123, MeSH D030342.

Allele frequency attached by ClinVar (database versions not stated): gnomAD exomes 0.00001; ExAC 0.00001; TOPMed 0.00002; gnomAD 0.00003.
gnomAD v4.1: 20 of 1,611,802 alleles (0.0012%); highest among the groups gnomAD compares: Non-Finnish European, 0.0017%; no homozygotes.

Submissions (2):

Labcorp Genetics (formerly Invitae), Labcorp
Classification: Uncertain significance. Last evaluated: 2025-12-02. Review status: criteria provided, single submitter. Criteria: Invitae Variant Classification Sherloc (09022015). Collection method: clinical testing. Allele origin: germline.
Comment: This sequence change replaces proline, which is neutral and non-polar, with serine, which is neutral and polar, at codon 1189 of the ATR protein (p.Pro1189Ser). The frequency data for this variant in the population databases is considered unreliable, as metrics indicate poor data quality at this position in the gnomAD database. This variant has not been reported in the literature in individuals affected with ATR-related conditions. ClinVar contains an entry for this variant (Variation ID: 2968505). An algorithm developed to predict the effect of missense changes on protein structure and function (PolyPhen-2) suggests that this variant is likely to be disruptive. In summary, the available evidence is currently insufficient to determine the role of this variant in disease. Therefore, it has been classified as a Variant of Uncertain Significance.

Ambry Genetics
Classification: Uncertain significance for Inborn genetic diseases. Last evaluated: 2024-11-25. Review status: criteria provided, single submitter. Criteria: Ambry Variant Classification Scheme 2023. Collection method: clinical testing. Allele origin: germline.